The following is an entry in ClinVar:

NM_016333.4(SRRM2):c.6950C>T (p.Pro2317Leu)

Gene: SRRM2 (serine/arginine repetitive matrix 2; plus strand). Cytogenetic location: 16p13.3.
Variant type: single nucleotide variant.
Coding change: c.6950C>T on transcript NM_016333.4 (MANE Select); coding-DNA position 6950, C replaced by T.
Protein change: p.Pro2317Leu; replaces proline 2317 with leucine.
Molecular consequence: missense variant.
Genome position (GRCh38, 1-based): chr16:2,767,478, C>T. VCF-style: chr16-2767478-C-T. GRCh37 (hg19) VCF-style: chr16-2817479-C-T.
Other names: short protein forms P2317L.
Identifiers: ClinVar variation 2506802 (VCV002506802.1), dbSNP rs1358889657, ClinGen allele CA394428131.

ClinVar aggregate classification (germline): Uncertain significance (1 of 4 stars; one submission).

gnomAD v4.1: 1 of 1,614,188 alleles (0.000062%); highest among the groups gnomAD compares: Non-Finnish European, 0.000085%; no homozygotes.

Submission:

GeneDx
Classification: Uncertain significance. Last evaluated: 2022-12-15. Review status: criteria provided, single submitter. Criteria: GeneDx Variant Classification Process June 2021. Collection method: clinical testing. Allele origin: germline. Affected: yes.
Comment: Not observed at significant frequency in large population cohorts (gnomAD); In silico analysis supports that this missense variant does not alter protein structure/function; Has not been previously published as pathogenic or benign to our knowledge